The following is an entry in ClinVar:

NM_003839.4(TNFRSF11A):c.95C>G (p.Pro32Arg)

Gene: TNFRSF11A (TNF receptor superfamily member 11a; plus strand). Cytogenetic location: 18q21.33.
Variant type: single nucleotide variant.
Coding change: c.95C>G on transcript NM_003839.4 (MANE Select); coding-DNA position 95, C replaced by G.
Protein change: p.Pro32Arg; replaces proline 32 with arginine.
Molecular consequence: missense variant.
Genome position (GRCh38, 1-based): chr18:62,348,187, C>G. VCF-style: chr18-62348187-C-G. GRCh37 (hg19) VCF-style: chr18-60015420-C-G.
Other names: c.95C>G, p.Pro32Arg (NM_001270949.2, NM_001270950.2, NM_001270951.2 and 1 more transcripts); short protein forms P32R.
Identifiers: ClinVar variation 1038076 (VCV001038076.6), dbSNP rs752545698, ClinGen allele CA8983641.

ClinVar aggregate classification (germline): Uncertain significance (1 of 4 stars; one submission).

gnomAD v4.1: 15 of 1,614,096 alleles (0.00093%); highest among the groups gnomAD compares: South Asian, 0.0099%; 1 homozygote.

Submission:

Labcorp Genetics (formerly Invitae), Labcorp
Classification: Uncertain significance. Last evaluated: 2025-09-20. Review status: criteria provided, single submitter. Criteria: Invitae Variant Classification Sherloc (09022015). Collection method: clinical testing. Allele origin: germline.
Comment: This sequence change replaces proline, which is neutral and non-polar, with arginine, which is basic and polar, at codon 32 of the TNFRSF11A protein (p.Pro32Arg). This variant is present in population databases (rs752545698, gnomAD 0.02%), including at least one homozygous and/or hemizygous individual. This variant has not been reported in the literature in individuals affected with TNFRSF11A-related conditions. ClinVar contains an entry for this variant (Variation ID: 1038076). Invitae Evidence Modeling of protein sequence and biophysical properties (such as structural, functional, and spatial information, amino acid conservation, physicochemical variation, residue mobility, and thermodynamic stability) indicates that this missense variant is expected to disrupt TNFRSF11A protein function with a positive predictive value of 80%. In summary, the available evidence is currently insufficient to determine the role of this variant in disease. Therefore, it has been classified as a Variant of Uncertain Significance.